The following is an entry in ClinVar:

NM_003620.4(PPM1D):c.1125C>T (p.Ile375=)

Gene: PPM1D (protein phosphatase, Mg2+/Mn2+ dependent 1D; plus strand). Cytogenetic location: 17q23.2.
Variant type: single nucleotide variant.
Coding change: c.1125C>T on transcript NM_003620.4 (MANE Select); coding-DNA position 1125, C replaced by T.
Protein change: p.Ile375=; no amino-acid change (isoleucine 375 retained).
Molecular consequence: synonymous variant.
Genome position (GRCh38, 1-based): chr17:60,656,706, C>T. VCF-style: chr17-60656706-C-T. GRCh37 (hg19) VCF-style: chr17-58734067-C-T.
Identifiers: ClinVar variation 4873666 (VCV004873666.2).

ClinVar aggregate classification (germline): Likely benign (1 of 4 stars; one submission).

gnomAD v4.1: 1 of 1,614,160 alleles (0.000062%); no homozygotes.

Submission:

CeGaT Center for Human Genetics Tuebingen
Classification: Likely benign. Last evaluated: 2026-05-01. Review status: criteria provided, single submitter. Criteria: CeGaT Center For Human Genetics Tuebingen Variant Classification Criteria Version 2. Collection method: clinical testing. Allele origin: germline. Affected: yes. Observed: 1 variant allele.
Comment: PPM1D: BP4, BP7